The following is an entry in ClinVar:

NM_006230.4(POLD2):c.724A>C (p.Ile242Leu)

Gene: POLD2 (DNA polymerase delta 2, accessory subunit; minus strand). Cytogenetic location: 7p13.
Variant type: single nucleotide variant.
Coding change: c.724A>C on transcript NM_006230.4 (MANE Select); coding-DNA position 724, A replaced by C.
Protein change: p.Ile242Leu; replaces isoleucine 242 with leucine.
Molecular consequence: missense variant.
Genome position (GRCh38, 1-based): chr7:44,116,873, T>G on the plus strand (A>C on the coding strand, the complement: POLD2 is on the minus strand). VCF-style: chr7-44116873-T-G. GRCh37 (hg19) VCF-style: chr7-44156472-T-G.
Other names: c.724A>C, p.Ile242Leu (NM_001127218.3, NM_001256879.2); short protein forms I242L.
Identifiers: ClinVar variation 2729850 (VCV002729850.3), dbSNP rs2484387389, ClinGen allele CA367383838.

ClinVar aggregate classification (germline): Uncertain significance (1 of 4 stars; one submission).

Allele frequency attached by ClinVar (database versions not stated): gnomAD exomes below 0.00001.

Submission:

Labcorp Genetics (formerly Invitae), Labcorp
Classification: Uncertain significance. Last evaluated: 2023-07-07. Review status: criteria provided, single submitter. Criteria: Invitae Variant Classification Sherloc (09022015). Collection method: clinical testing. Allele origin: germline.
Comment: In summary, the available evidence is currently insufficient to determine the role of this variant in disease. Therefore, it has been classified as a Variant of Uncertain Significance. Experimental studies and prediction algorithms are not available or were not evaluated, and the functional significance of this variant is currently unknown. This variant has not been reported in the literature in individuals affected with POLD2-related conditions. This variant is not present in population databases (gnomAD no frequency). This sequence change replaces isoleucine, which is neutral and non-polar, with leucine, which is neutral and non-polar, at codon 277 of the POLD2 protein (p.Ile277Leu).